The following is an entry in ClinVar:

NM_024513.4(FYCO1):c.104T>C (p.Ile35Thr)

Gene: FYCO1 (FYVE and coiled-coil domain autophagy adaptor 1; minus strand). Cytogenetic location: 3p21.31.
Variant type: single nucleotide variant.
Coding change: c.104T>C on transcript NM_024513.4 (MANE Select); coding-DNA position 104, T replaced by C.
Protein change: p.Ile35Thr; replaces isoleucine 35 with threonine.
Molecular consequence: missense variant. On other transcripts: non-coding transcript variant (1), intron variant (2).
Genome position (GRCh38, 1-based): chr3:45,981,628, A>G on the plus strand (T>C on the coding strand, the complement: FYCO1 is on the minus strand). VCF-style: chr3-45981628-A-G. GRCh37 (hg19) VCF-style: chr3-46023120-A-G.
Other names: c.104T>C, p.Ile35Thr (NM_001386421.1, NM_001386422.1, NM_001386423.1 and 5 more transcripts); c.-62+3228T>C (NM_001386430.1); c.43-1798T>C (NM_001386426.1); short protein forms I35T.
Identifiers: ClinVar variation 3712250 (VCV003712250.2).

ClinVar aggregate classification (germline): Uncertain significance (1 of 4 stars; one submission).

Conditions:
Cataract 18 (CATC2). Also called: CATARACT 18, AUTOSOMAL RECESSIVE. Identifiers: Orphanet 91492, Orphanet 98991, Orphanet 98992, Orphanet 98995, MedGen C1864908, MONDO:0012395, OMIM 610019.

gnomAD v4.1: 1 of 1,614,134 alleles (0.000062%); no homozygotes.

Submission:

Labcorp Genetics (formerly Invitae), Labcorp
Classification: Uncertain significance for Cataract 18. Last evaluated: 2025-01-16. Review status: criteria provided, single submitter. Criteria: Invitae Variant Classification Sherloc (09022015). Collection method: clinical testing. Allele origin: germline.
Comment: This sequence change replaces isoleucine, which is neutral and non-polar, with threonine, which is neutral and polar, at codon 35 of the FYCO1 protein (p.Ile35Thr). This variant is not present in population databases (gnomAD no frequency). This variant has not been reported in the literature in individuals affected with FYCO1-related conditions. An algorithm developed to predict the effect of missense changes on protein structure and function (PolyPhen-2) suggests that this variant is likely to be disruptive. In summary, the available evidence is currently insufficient to determine the role of this variant in disease. Therefore, it has been classified as a Variant of Uncertain Significance.